The following is an entry in ClinVar:

ClinVar aggregate classification (germline): Uncertain significance (1 of 4 stars; one submission).

gnomAD v4.1: 1 of 1,612,986 alleles (0.000062%); highest among the groups gnomAD compares: Non-Finnish European, 0.000085%; no homozygotes.

Submission:

GeneDx
Classification: Uncertain significance. Last evaluated: 2026-04-19. Review status: criteria provided, single submitter. Criteria: GeneDx Variant Classification Process June 2021. Collection method: clinical testing. Allele origin: germline.
Comment: Not observed at significant frequency in large population cohorts (gnomAD); Nonsense variant predicted to result in protein truncation or nonsense mediated decay in a gene or region of a gene for which loss of function is not a well-established mechanism of disease; Has not been previously published as pathogenic or benign to our knowledge

NM_001348768.2(HECW2):c.4144C>T (p.Gln1382Ter)

Gene: HECW2 (HECT, C2 and WW domain containing E3 ubiquitin protein ligase 2; minus strand). Cytogenetic location: 2q32.3.
Variant type: single nucleotide variant.
Coding change: c.4144C>T on transcript NM_001348768.2 (MANE Select); coding-DNA position 4144, C replaced by T.
Protein change: p.Gln1382Ter; replaces glutamine 1382 with a stop codon.
Molecular consequence: nonsense.
Genome position (GRCh38, 1-based): chr2:196,222,213, G>A on the plus strand (C>T on the coding strand, the complement: HECW2 is on the minus strand). VCF-style: chr2-196222213-G-A. GRCh37 (hg19) VCF-style: chr2-197086937-G-A.
Other names: c.3076C>T, p.Gln1026Ter (NM_001304840.3); c.4144C>T, p.Gln1382Ter (NM_020760.4); short protein forms Q1026*, Q1382*.
Identifiers: ClinVar variation 5037340 (VCV005037340.1).